The following is an entry in ClinVar:

ClinVar aggregate classification (germline): Likely pathogenic (1 of 4 stars; one submission).

gnomAD v4.1: 2 of 1,613,786 alleles (0.00012%); highest among the groups gnomAD compares: Admixed American, 0.0017%; no homozygotes.

Submission:

Labcorp Genetics (formerly Invitae), Labcorp
Classification: Likely pathogenic. Last evaluated: 2023-09-27. Review status: criteria provided, single submitter. Criteria: Invitae Variant Classification Sherloc (09022015). Collection method: clinical testing. Allele origin: germline.
Comment: This sequence change affects a donor splice site in intron 26 of the ELP1 gene. It is expected to disrupt RNA splicing. Variants that disrupt the donor or acceptor splice site typically lead to a loss of protein function (PMID: 16199547), and loss-of-function variants in ELP1 are known to be pathogenic (PMID: 18303054, 24173031). This variant is present in population databases (no rsID available, gnomAD 0.003%). This variant has not been reported in the literature in individuals affected with ELP1-related conditions. Algorithms developed to predict the effect of sequence changes on RNA splicing suggest that this variant may disrupt the consensus splice site. In summary, the currently available evidence indicates that the variant is pathogenic, but additional data are needed to prove that conclusively. Therefore, this variant has been classified as Likely Pathogenic.

Literature cited by the submitters: PubMed 16199547; PubMed 18303054; PubMed 24173031.

NM_003640.5(ELP1):c.2860+1G>A

Gene: ELP1 (elongator acetyltransferase complex subunit 1; minus strand). Cytogenetic location: 9q31.3.
Variant type: single nucleotide variant.
Coding change: c.2860+1G>A on transcript NM_003640.5 (MANE Select); the canonical splice donor site of the intron after coding-DNA position 2860, G replaced by A.
Molecular consequence: splice donor variant.
Genome position (GRCh38, 1-based): chr9:108,893,942, C>T on the plus strand (G>A on the coding strand, the complement: ELP1 is on the minus strand). VCF-style: chr9-108893942-C-T. GRCh37 (hg19) VCF-style: chr9-111656222-C-T.
Other names: c.2518+1G>A (NM_001318360.2); c.1813+1G>A (NM_001330749.2).
Identifiers: ClinVar variation 2763522 (VCV002763522.3), dbSNP rs1242880171, ClinGen allele CA374418706.